The following is an entry in ClinVar:

NM_001844.5(COL2A1):c.2602C>A (p.Pro868Thr)

Gene: COL2A1 (collagen type II alpha 1 chain; minus strand). Cytogenetic location: 12q13.11.
Variant type: single nucleotide variant.
Coding change: c.2602C>A on transcript NM_001844.5 (MANE Select); coding-DNA position 2602, C replaced by A.
Protein change: p.Pro868Thr; replaces proline 868 with threonine.
Molecular consequence: missense variant.
Genome position (GRCh38, 1-based): chr12:47,980,577, G>T on the plus strand (C>A on the coding strand, the complement: COL2A1 is on the minus strand). VCF-style: chr12-47980577-G-T. GRCh37 (hg19) VCF-style: chr12-48374360-G-T.
Other names: c.2395C>A, p.Pro799Thr (NM_033150.3); short protein forms P799T, P868T.
Identifiers: ClinVar variation 5038742 (VCV005038742.1).

ClinVar aggregate classification (germline): Uncertain significance (1 of 4 stars; one submission).

Submission:

CeGaT Center for Human Genetics Tuebingen
Classification: Uncertain significance. Last evaluated: 2026-07-01. Review status: criteria provided, single submitter. Criteria: CeGaT Center For Human Genetics Tuebingen Variant Classification Criteria Version 2. Collection method: clinical testing. Allele origin: germline. Affected: yes. Observed: 1 variant allele.
Comment: COL2A1: PM2